The following is an entry in ClinVar:

NM_003632.3(CNTNAP1):c.376A>T (p.Asn126Tyr)

Gene: CNTNAP1 (contactin associated protein 1; plus strand). Cytogenetic location: 17q21.2.
Variant type: single nucleotide variant.
Coding change: c.376A>T on transcript NM_003632.3 (MANE Select); coding-DNA position 376, A replaced by T.
Protein change: p.Asn126Tyr; replaces asparagine 126 with tyrosine.
Molecular consequence: missense variant.
Genome position (GRCh38, 1-based): chr17:42,685,003, A>T. VCF-style: chr17-42685003-A-T. GRCh37 (hg19) VCF-style: chr17-40837021-A-T.
Other names: short protein forms N126Y.
Identifiers: ClinVar variation 5000317 (VCV005000317.1).
Genomic context (GRCh38, chr17:42,685,003, plus strand): 5'-AAGAAGCAGAGGGCAGGACGTGGTTACTACTCTCCTCCACCCCCGCAGACCTTCTTTGGT[A>T]ACGTGAACGAGTCGGCGGTGGTGCGCCATGACCTGCACTTCCACTTCACTGCGCGCTACA-3'
Protein context (NP_003623.1, residues 116-136): QRGHNSTFFG[Asn126Tyr]VNESAVVRHD

ClinVar aggregate classification (germline): Uncertain significance (1 of 4 stars; one submission).

Conditions:
CNTNAP1-related disorder. Also called: CNTNAP1-related disease; CNTNAP1-related condition.

gnomAD v4.1: 1 of 1,607,124 alleles (0.000062%); highest among the groups gnomAD compares: Non-Finnish European, 0.000085%; no homozygotes.

Submission:

PreventionGenetics, part of Exact Sciences
Classification: Uncertain significance for CNTNAP1-related condition. Last evaluated: 2024-12-17. Review status: criteria provided, single submitter. Criteria: ACMG Guidelines, 2015. Collection method: clinical testing. Allele origin: germline.
Comment: The CNTNAP1 c.376A>T variant is predicted to result in the amino acid substitution p.Asn126Tyr. To our knowledge, this variant has not been reported in the literature or in a large population database (gnomAD), indicating this variant is rare. At this time, the clinical significance of this variant is uncertain due to the absence of conclusive functional and genetic evidence.